The following is an entry in ClinVar:

NM_000530.8(MPZ):c.59_63dup (p.Val23fs)

Gene: MPZ (myelin protein zero; minus strand). Cytogenetic location: 1q23.3.
Variant type: Microsatellite.
Coding change: c.59_63dup on transcript NM_000530.8 (MANE Select); coding-DNA positions 59 to 63, 5 bases duplicated (CTTCT; older notation c.59_63dupCTTCT).
Protein change: p.Val23fs; shifts the reading frame from valine 23.
Molecular consequence: frameshift variant.
Genome position (GRCh38, 1-based): chr1:161,309,843-161,309,847, AGAAG duplicated on the plus strand (CTTCT on the coding strand, the reverse complement: MPZ is on the minus strand); duplicating any 5 consecutive bases within chr1:161,309,843-161,309,854 gives the same sequence; the c. name uses the placement nearest the transcript's 3' end. VCF-style (leftmost placement, unchanged base first): chr1-161309842-A-AAGAAG. GRCh37 (hg19) VCF-style: chr1-161279632-A-AAGAAG.
Other names: c.59_63dup, p.Val23fs (NM_001315491.2); short protein forms V23fs.
Identifiers: ClinVar variation 4735454 (VCV004735454.1).

ClinVar aggregate classification (germline): Pathogenic (1 of 4 stars; one submission).

Conditions:
Charcot-Marie-Tooth disease, type I (CMT1). Also called: Charcot-Marie-Tooth, Type 1; Charcot-Marie-Tooth disease type 1. Identifiers: Orphanet 65753, MedGen C0751036, MONDO:0019011.

Submission:

Labcorp Genetics (formerly Invitae), Labcorp
Classification: Pathogenic for Charcot-Marie-Tooth disease, type I. Last evaluated: 2026-01-16. Review status: criteria provided, single submitter. Criteria: Invitae Variant Classification Sherloc (09022015). Collection method: clinical testing. Allele origin: germline.
Comment: This sequence change creates a premature translational stop signal (p.Val23Leufs*26) in the MPZ gene. It is expected to result in an absent or disrupted protein product. Loss-of-function variants in MPZ are known to be pathogenic (PMID: 14711881). This variant is not present in population databases (gnomAD no frequency). This variant has not been reported in the literature in individuals affected with MPZ-related conditions. For these reasons, this variant has been classified as Pathogenic.

Literature cited by the submitters: PubMed 14711881.